The following is an entry in ClinVar:

ClinVar aggregate classification (germline): Likely benign (1 of 4 stars; one submission).

Conditions:
Holoprosencephaly 11 (HPE11). Identifiers: Orphanet 2162, MedGen C3280215, MONDO:0013642, OMIM 614226.

Allele frequency attached by ClinVar (database versions not stated): gnomAD 0.00082 and 0.00085; ExAC 0.00061; TOPMed 0.00088; 1000 Genomes Project 30x 0.00016; 1000 Genomes Project 0.00020; gnomAD exomes 0.00073 and 0.00144; ESP Exome Variant Server 0.00115.
gnomAD v4.1: 1,756 of 1,314,048 alleles (0.13%); highest among the groups gnomAD compares: Non-Finnish European, 0.19%; 3 homozygotes.

Submission:

Illumina Laboratory Services, Illumina
Classification: Likely benign for Holoprosencephaly 11. Last evaluated: 2018-01-13. Review status: criteria provided, single submitter. Criteria: ICSL Variant Classification Criteria 13 December 2019. Collection method: clinical testing. Allele origin: germline.
Comment: This variant was observed in the ICSL laboratory as part of a predisposition screen in an ostensibly healthy population. It had not been previously curated by ICSL or reported in the Human Gene Mutation Database (HGMD: prior to June 1st, 2018), and was therefore a candidate for classification through an automated scoring system. Utilizing variant allele frequency, disease prevalence and penetrance estimates, and inheritance mode, an automated score was calculated to assess if this variant is too frequent to cause the disease. Based on the score and internal cut-off values, a variant classified as likely benign is not then subjected to further curation. The score for this variant resulted in a classification of likely benign for this disease.

NM_001378964.1(CDON):c.-48G>A

Gene: CDON (cell adhesion associated, oncogene regulated; minus strand). Cytogenetic location: 11q24.2.
Variant type: single nucleotide variant.
Coding change: c.-48G>A on transcript NM_001378964.1 (MANE Select); 48 bases upstream of the start codon, G replaced by A.
Molecular consequence: 5 prime UTR variant.
Genome position (GRCh38, 1-based): chr11:126,023,524, C>T on the plus strand (G>A on the coding strand, the complement: CDON is on the minus strand). VCF-style: chr11-126023524-C-T. GRCh37 (hg19) VCF-style: chr11-125893419-C-T.
Other names: c.-48G>A (NM_001243597.3, NM_016952.6).
Identifiers: ClinVar variation 303526 (VCV000303526.5), dbSNP rs374433009, ClinGen allele CA6352459.